The following is an entry in ClinVar:

NM_206933.4(USH2A):c.10446T>A (p.Tyr3482Ter)

Gene: USH2A (usherin; minus strand). Cytogenetic location: 1q41.
Variant type: single nucleotide variant.
Coding change: c.10446T>A on transcript NM_206933.4 (MANE Select); coding-DNA position 10446, T replaced by A.
Protein change: p.Tyr3482Ter; replaces tyrosine 3482 with a stop codon.
Molecular consequence: nonsense.
Genome position (GRCh38, 1-based): chr1:215,782,877, A>T on the plus strand (T>A on the coding strand, the complement: USH2A is on the minus strand). VCF-style: chr1-215782877-A-T. GRCh37 (hg19) VCF-style: chr1-215956219-A-T.
Other names: short protein forms Y3482*.
Identifiers: ClinVar variation 1384673 (VCV001384673.6), dbSNP rs767501966, ClinGen allele CA344837945.

ClinVar aggregate classification (germline): Pathogenic (1 of 4 stars; one submission).

Submission:

Labcorp Genetics (formerly Invitae), Labcorp
Classification: Pathogenic. Last evaluated: 2023-08-04. Review status: criteria provided, single submitter. Criteria: Invitae Variant Classification Sherloc (09022015). Collection method: clinical testing. Allele origin: germline.
Comment: For these reasons, this variant has been classified as Pathogenic. ClinVar contains an entry for this variant (Variation ID: 1384673). This variant has not been reported in the literature in individuals affected with USH2A-related conditions. This variant is not present in population databases (gnomAD no frequency). This sequence change creates a premature translational stop signal (p.Tyr3482*) in the USH2A gene. It is expected to result in an absent or disrupted protein product. Loss-of-function variants in USH2A are known to be pathogenic (PMID: 10729113, 10909849, 20507924, 25649381).

Literature cited by the submitters: PubMed 10729113; PubMed 10909849; PubMed 20507924; PubMed 25649381.